The following is an entry in ClinVar:

NM_000368.5(TSC1):c.1029+55C>T

Gene: TSC1 (TSC complex subunit 1; minus strand). Cytogenetic location: 9q34.13.
Variant type: single nucleotide variant.
Coding change: c.1029+55C>T on transcript NM_000368.5 (MANE Select); 55 bases into the intron after coding-DNA position 1029, C replaced by T.
Molecular consequence: intron variant.
Genome position (GRCh38, 1-based): chr9:132,911,398, G>A on the plus strand (C>T on the coding strand, the complement: TSC1 is on the minus strand). VCF-style: chr9-132911398-G-A. GRCh37 (hg19) VCF-style: chr9-135786785-G-A.
Other names: c.666+55C>T (NM_001406620.1, NM_001406618.1, NM_001406625.1 and 10 more transcripts); c.876+55C>T (NM_001406613.1, NM_001406612.1, NM_001406610.1 and 2 more transcripts); c.78+55C>T (NM_001406627.1, NM_001406628.1, NM_001406626.1); c.-22+12C>T (NM_001406629.1, NM_001406630.1); c.1029+55C>T (NM_001406603.1, NM_001406609.1, NM_001406597.1 and 16 more transcripts).
Identifiers: ClinVar variation 3239456 (VCV003239456.19), dbSNP rs2538861266.

ClinVar aggregate classification (germline): Uncertain significance (1 of 4 stars; one submission).

Submission:

CeGaT Center for Human Genetics Tuebingen
Classification: Uncertain significance. Last evaluated: 2024-05-01. Review status: criteria provided, single submitter. Criteria: CeGaT Center For Human Genetics Tuebingen Variant Classification Criteria Version 2. Collection method: clinical testing. Allele origin: germline. Affected: yes. Observed: 1 variant allele.
Comment: TSC1: PM2, PP3